The following is an entry in ClinVar:

ClinVar aggregate classification (germline): Pathogenic (1 of 4 stars; one submission).

Conditions:
Familial cancer of breast. Also called: BREAST CANCER, FAMILIAL; hereditary breast carcinoma; Hereditary breast cancer. Identifiers: Orphanet 227535, MedGen C0346153, MONDO:0016419, OMIM 114480. Disease mechanism: loss of function.
Fanconi anemia complementation group J. Also called: BRIP1-Related Fanconi Anemia. Identifiers: Orphanet 84, MedGen C1836860, MONDO:0012187, OMIM 609054.

Allele frequency attached by ClinVar (database versions not stated): gnomAD 0.00001.

Submission:

Labcorp Genetics (formerly Invitae), Labcorp
Classification: Pathogenic for Familial cancer of breast; Fanconi anemia complementation group J. Last evaluated: 2025-11-11. Review status: criteria provided, single submitter. Criteria: Invitae Variant Classification Sherloc (09022015). Collection method: clinical testing. Allele origin: germline.
Comment: This sequence change creates a premature translational stop signal (p.Leu842Argfs*4) in the BRIP1 gene. It is expected to result in an absent or disrupted protein product. Loss-of-function variants in BRIP1 are known to be pathogenic (PMID: 16116423, 17033622, 21964575). This variant is not present in population databases (gnomAD no frequency). This variant has not been reported in the literature in individuals affected with BRIP1-related conditions. ClinVar contains an entry for this variant (Variation ID: 839150). For these reasons, this variant has been classified as Pathogenic.

Literature cited by the submitters: PubMed 16116423; PubMed 17033622; PubMed 21964575.

NM_032043.3(BRIP1):c.2525_2538del (p.Leu842fs)

Gene: BRIP1 (BRCA1 interacting DNA helicase 1; minus strand). Cytogenetic location: 17q23.2.
Variant type: Deletion.
Coding change: c.2525_2538del on transcript NM_032043.3 (MANE Select); coding-DNA positions 2525 to 2538, 14 bases deleted (TTATTCTAGTGGAT).
Protein change: p.Leu842fs; shifts the reading frame from leucine 842.
Molecular consequence: frameshift variant.
Genome position (GRCh38, 1-based): chr17:61,693,467-61,693,480, ATCCACTAGAATAA deleted on the plus strand (TTATTCTAGTGGAT on the coding strand, the reverse complement: BRIP1 is on the minus strand). VCF-style (leftmost placement, unchanged base first): chr17-61693466-CATCCACTAGAATAA-C. GRCh37 (hg19) VCF-style: chr17-59770827-CATCCACTAGAATAA-C.
Other names: short protein forms L842fs.
Identifiers: ClinVar variation 839150 (VCV000839150.8), dbSNP rs2061477722, ClinGen allele CA916081909.